The following is an entry in ClinVar:

NM_001048174.2(MUTYH):c.45G>A (p.Gln15=)

Gene: MUTYH (mutY DNA glycosylase; minus strand). Cytogenetic location: 1p34.1.
Variant type: single nucleotide variant.
Coding change: c.45G>A on transcript NM_001048174.2 (MANE Select); coding-DNA position 45, G replaced by A.
Protein change: p.Gln15=; no amino-acid change (glutamine 15 retained).
Molecular consequence: synonymous variant. On other transcripts: 5 prime UTR variant (4), non-coding transcript variant (2).
Genome position (GRCh38, 1-based): chr1:45,334,461, C>T on the plus strand (G>A on the coding strand, the complement: MUTYH is on the minus strand). VCF-style: chr1-45334461-C-T. GRCh37 (hg19) VCF-style: chr1-45800133-C-T.
Other names: c.87G>A (NM_001128425.1); c.45G>A, p.Gln15= (NM_001048171.2, NM_001048172.2, NM_001048173.2 and 2 more transcripts); c.87G>A, p.Gln29= (NM_001128425.2, NM_001293190.2, NM_012222.3); c.-168G>A (NM_001293192.2, NM_001293196.2); c.-227G>A (NM_001350650.2); c.-163G>A (NM_001350651.2).
Identifiers: ClinVar variation 1085605 (VCV001085605.12), dbSNP rs2149188562, ClinGen allele CA417702263.
Genomic context (GRCh38, chr1:45,334,461, plus strand): 5'-AGAAGGCTTGGCCTGACTGTTGTTCTTAGCATGCTTCTGCCTCCCTTCCTGGCTGGCTGC[C>T]TGCTTCCTGTGACCACTTCCCACGGCTGCTCGTGGCTTCCTCATGATGGCCTGAAACAAA-3'
Protein context (NP_001041639.1, residues 5-25): RAAVGSGHRK[Gln15=]AASQEGRQKH

ClinVar aggregate classification (germline): Likely benign. Review status: criteria provided, multiple submitters, no conflicts (2 of 4 stars). 4 submissions from 4 submitters: Likely benign (4). Last evaluated 2024-12-07.

Conditions:
Hereditary cancer-predisposing syndrome. Also called: Neoplastic Syndromes, Hereditary; Tumor predisposition; Hereditary Cancer Syndrome; Hereditary neoplastic syndrome. Identifiers: Orphanet 140162, MedGen C0027672, MeSH D009386, MONDO:0015356.
Familial adenomatous polyposis 2. Also called: FAP type 2; MUTYH Polyposis; COLORECTAL ADENOMATOUS POLYPOSIS, AUTOSOMAL RECESSIVE; ADENOMAS, MULTIPLE COLORECTAL, AUTOSOMAL RECESSIVE; MYH-associated polyposis; MUTYH-associated polyposis. Identifiers: Orphanet 220460, Orphanet 247798, MedGen C3272841, MONDO:0012041, OMIM 608456.

gnomAD v4.1: 1 of 1,614,152 alleles (0.000062%); highest among the groups gnomAD compares: East Asian, 0.0022%; no homozygotes.

Submissions (4):

Labcorp Genetics (formerly Invitae), Labcorp
Classification: Likely benign for Familial adenomatous polyposis 2. Last evaluated: 2024-12-07. Review status: criteria provided, single submitter. Criteria: Invitae Variant Classification Sherloc (09022015). Collection method: clinical testing. Allele origin: germline.

Ambry Genetics
Classification: Likely benign for Hereditary cancer-predisposing syndrome. Last evaluated: 2024-06-26. Review status: criteria provided, single submitter. Criteria: Ambry Variant Classification Scheme 2023. Collection method: clinical testing. Allele origin: germline.

All of Us Research Program, National Institutes of Health
Classification: Likely benign for Familial adenomatous polyposis 2. Last evaluated: 2023-10-23. Review status: criteria provided, single submitter. Criteria: ACMG Guidelines, 2015. Collection method: clinical testing. Allele origin: germline. Inheritance: Autosomal recessive inheritance. Observed: 1 variant allele, 1 heterozygote.
Comment: This study involves interpretation of variants in research participants for the purpose of population health screening. Participant phenotype was not available at the time of variant classification. Additional details can be found in publication PMID: 35346344, PMCID: PMC8962531

Color Diagnostics, LLC DBA Color Health
Classification: Likely benign for Hereditary cancer-predisposing syndrome. Last evaluated: 2023-09-06. Review status: criteria provided, single submitter. Criteria: ACMG Guidelines, 2015. Collection method: clinical testing. Allele origin: germline.